The following is an entry in ClinVar:

NM_000059.4(BRCA2):c.5734G>T (p.Glu1912Ter)

Gene: BRCA2 (BRCA2 DNA repair associated; plus strand). Cytogenetic location: 13q13.1.
Variant type: single nucleotide variant.
Coding change: c.5734G>T on transcript NM_000059.4 (MANE Select); coding-DNA position 5734, G replaced by T.
Protein change: p.Glu1912Ter; replaces glutamic acid 1912 with a stop codon.
Molecular consequence: nonsense.
Genome position (GRCh38, 1-based): chr13:32,340,089, G>T. VCF-style: chr13-32340089-G-T. GRCh37 (hg19) VCF-style: chr13-32914226-G-T.
Other names: 5962G>T; short protein forms E1912*.
Identifiers: ClinVar variation 51923 (VCV000051923.19), dbSNP rs397507800, ClinGen allele CA023098.

ClinVar aggregate classification (germline): Pathogenic. Review status: reviewed by expert panel (3 of 4 stars). 6 submissions from 6 submitters: Pathogenic (1). 5 of the submissions do not count toward it. Last evaluated 2016-10-18.

Conditions:
Inherited breast cancer and ovarian cancer.
Familial prostate cancer. Also called: Hereditary Prostate Cancer. Identifiers: MedGen C2931456, MONDO:0700275, OMIM 176807.
Hereditary cancer-predisposing syndrome. Also called: Neoplastic Syndromes, Hereditary; Tumor predisposition; Hereditary Cancer Syndrome; Hereditary neoplastic syndrome. Identifiers: Orphanet 140162, MedGen C0027672, MeSH D009386, MONDO:0015356.
Hereditary breast ovarian cancer syndrome. Also called: Breast and ovarian cancer; Hereditary breast and ovarian cancer; Hereditary breast and ovarian cancer syndrome (HBOC); Hereditary breast and ovarian cancer syndrome; BRCA1- and BRCA2-Associated Hereditary Breast and Ovarian Cancer; Hereditary breast and/or ovarian cancer syndrome. Identifiers: Orphanet 145, MedGen C0677776, MeSH D061325, MONDO:0003582. Disease mechanism: loss of function.
Breast-ovarian cancer, familial, susceptibility to, 2 (BROVCA2). Also called: BRCA2 Hereditary Breast and Ovarian Cancer. Identifiers: Orphanet 145, MedGen C2675520, MONDO:0012933, OMIM 612555. Disease mechanism: loss of function.

Allele frequency attached by ClinVar (database versions not stated): gnomAD exomes below 0.00001.

Submissions (6):

Evidence-based Network for the Interpretation of Germline Mutant Alleles (ENIGMA)
Classification: Pathogenic for Breast-ovarian cancer, familial, susceptibility to, 2. Last evaluated: 2016-10-18. Review status: reviewed by expert panel. Criteria: ENIGMA BRCA1/2 Classification Criteria (2015). Collection method: curation. Allele origin: germline.
Comment: Variant allele predicted to encode a truncated non-functional protein.

Genetics Laboratory, Great Ormond Street Hospital NHS Foundation Trust, North Thames Genomic Laboratory Hub
Classification: Pathogenic for Inherited breast cancer and ovarian cancer. Last evaluated: 2026-03-25. Review status: criteria provided, single submitter. Criteria: CanVIG BRCA Gene Specific V1.22. Collection method: clinical testing. Allele origin: germline. Affected: yes. Not counted in ClinVar's aggregate classification.
Comment: PS4_supporting, PM2_moderate, PVS1_very-strong, PM5_strong

Ambry Genetics
Classification: Pathogenic for Hereditary cancer-predisposing syndrome. Last evaluated: 2025-06-04. Review status: criteria provided, single submitter. Criteria: Ambry Variant Classification Scheme 2023. Collection method: clinical testing. Allele origin: germline. Not counted in ClinVar's aggregate classification.
Comment: The p.E1912* pathogenic mutation (also known as c.5734G>T), located in coding exon 10 of the BRCA2 gene, results from a G to T substitution at nucleotide position 5734. This changes the amino acid from a glutamic acid to a stop codon within coding exon 10. This mutation has been reported in multiple individuals breast and/or ovarian cancer (Rashid MU et al. Int J Cancer. 2006 Dec;119:2832-9; Rebbeck TR et al. Hum Mutat. 2018 05;39:593-620). This variant was not reported in population-based cohorts in the Genome Aggregation Database (gnomAD). In addition to the clinical data presented in the literature, this alteration is expected to result in loss of function by premature protein truncation or nonsense-mediated mRNA decay. As such, this alteration is interpreted as a disease-causing mutation.

Labcorp Genetics (formerly Invitae), Labcorp
Classification: Pathogenic for Hereditary breast ovarian cancer syndrome. Last evaluated: 2023-05-09. Review status: criteria provided, single submitter. Criteria: Invitae Variant Classification Sherloc (09022015). Collection method: clinical testing. Allele origin: germline. Not counted in ClinVar's aggregate classification.
Comment: This premature translational stop signal has been observed in individual(s) with breast and/or ovarian cancer (PMID: 16998791). For these reasons, this variant has been classified as Pathogenic. ClinVar contains an entry for this variant (Variation ID: 51923). This variant is also known as 5962C>T. This variant is not present in population databases (gnomAD no frequency). This sequence change creates a premature translational stop signal (p.Glu1912*) in the BRCA2 gene. It is expected to result in an absent or disrupted protein product. Loss-of-function variants in BRCA2 are known to be pathogenic (PMID: 20104584).

Department of Pathology and Laboratory Medicine, Sinai Health System
Classification: Pathogenic for Familial prostate cancer. Last evaluated: 2021-07-12. Review status: criteria provided, single submitter. Criteria: ACMG Guidelines, 2015. Collection method: clinical testing. Allele origin: germline. Affected: yes. Not counted in ClinVar's aggregate classification.

Consortium of Investigators of Modifiers of BRCA1/2 (CIMBA), c/o University of Cambridge
Classification: Pathogenic for Breast-ovarian cancer, familial, susceptibility to, 2. Last evaluated: 2015-10-02. Review status: criteria provided, single submitter. Criteria: CIMBA Mutation Classification guidelines May 2016. Collection method: clinical testing. Allele origin: germline. Not counted in ClinVar's aggregate classification.

Literature cited by the submitters: PubMed 16998791 (cited by 3 submitters); PubMed 29446198 (cited by Ambry Genetics); PubMed 20104584 (cited by Labcorp Genetics (formerly Invitae), Labcorp).